The following is an entry in ClinVar:

ClinVar aggregate classification (germline): Uncertain significance. Review status: criteria provided, multiple submitters, no conflicts (2 of 4 stars). 4 submissions from 4 submitters: Uncertain significance (3). 1 of the submissions does not count toward it. Last evaluated 2024-05-24.

Conditions:
Inborn genetic diseases. Identifiers: MedGen C0950123, MeSH D030342.
MHC class II deficiency. Also called: Bare lymphocyte syndrome 2; BLS, TYPE II. Identifiers: Orphanet 572, MedGen C5447452, MONDO:0008855.

Allele frequency attached by ClinVar (database versions not stated): TOPMed 0.00010; gnomAD 0.00011 and 0.00012; 1000 Genomes Project 30x 0.00016; gnomAD exomes 0.00016; ExAC 0.00025.
gnomAD v4.1: 300 of 1,613,804 alleles (0.019%); highest among the groups gnomAD compares: Non-Finnish European, 0.024%; no homozygotes.

Submissions (4):

Ambry Genetics
Classification: Uncertain significance for Inborn genetic diseases. Last evaluated: 2024-05-24. Review status: criteria provided, single submitter. Criteria: Ambry Variant Classification Scheme 2023. Collection method: clinical testing. Allele origin: germline.

Labcorp Genetics (formerly Invitae), Labcorp
Classification: Uncertain significance for MHC class II deficiency. Last evaluated: 2022-06-05. Review status: criteria provided, single submitter. Criteria: Invitae Variant Classification Sherloc (09022015). Collection method: clinical testing. Allele origin: germline.
Comment: This sequence change replaces alanine, which is neutral and non-polar, with aspartic acid, which is acidic and polar, at codon 383 of the CIITA protein (p.Ala383Asp). This variant is present in population databases (rs763945523, gnomAD 0.03%). This variant has not been reported in the literature in individuals affected with CIITA-related conditions. ClinVar contains an entry for this variant (Variation ID: 420717). Algorithms developed to predict the effect of missense changes on protein structure and function are either unavailable or do not agree on the potential impact of this missense change (SIFT: "Deleterious"; PolyPhen-2: "Possibly Damaging"; Align-GVGD: "Class C15"). In summary, the available evidence is currently insufficient to determine the role of this variant in disease. Therefore, it has been classified as a Variant of Uncertain Significance.

GeneDx
Classification: Uncertain significance. Last evaluated: 2016-03-21. Review status: criteria provided, single submitter. Criteria: GeneDx Variant Classification (06012015). Collection method: clinical testing. Allele origin: germline. Affected: yes.
Comment: The A383D variant in the CIITA gene has not been reported previously as a pathogenic variant, nor as a benign variant, to our knowledge. The A383D variant was not observed at any significant frequency in approximately 33,000 individuals in the Exome Aggregation Consortium (ExAC) European population cohort, indicating it is not a common benign variant in this population. The A383D variant is a non-conservative amino acid substitution, which is likely to impact secondary protein structure as these residues differ in polarity, charge, size and/or other properties. However, this substitution occurs at a position that is not conserved. In silico analysis predicts this variant is probably damaging to the protein structure/function. We interpret A383D as a variant of uncertain significance.

Natera, Inc.
Classification: Uncertain significance for Bare lymphocyte syndrome type II. Last evaluated: 2019-10-28. Review status: no assertion criteria provided. Collection method: clinical testing. Allele origin: germline. Not counted in ClinVar's aggregate classification.

NM_000246.4(CIITA):c.1148C>A (p.Ala383Asp)

Gene: CIITA (class II major histocompatibility complex transactivator; plus strand). Cytogenetic location: 16p13.13.
Variant type: single nucleotide variant.
Coding change: c.1148C>A on transcript NM_000246.4 (MANE Select); coding-DNA position 1148, C replaced by A.
Protein change: p.Ala383Asp; replaces alanine 383 with aspartic acid.
Molecular consequence: missense variant. On other transcripts: intron variant (1).
Genome position (GRCh38, 1-based): chr16:10,906,640, C>A. VCF-style: chr16-10906640-C-A. GRCh37 (hg19) VCF-style: chr16-11000497-C-A.
Other names: c.1151C>A, p.Ala384Asp (NM_001286402.1, NM_001379332.1); c.1004C>A, p.Ala335Asp (NM_001379330.1); c.1001C>A, p.Ala334Asp (NM_001379331.1); c.1148C>A, p.Ala383Asp (NM_001379333.1); c.1079C>A, p.Ala360Asp (NM_001379334.1); c.859+1828C>A (NM_001286403.2); short protein forms A383D, A384D, A334D, A335D, A360D.
Identifiers: ClinVar variation 420717 (VCV000420717.11), dbSNP rs763945523, ClinGen allele CA7900065.